The following is an entry in ClinVar:

ClinVar aggregate classification (germline): Benign. Review status: criteria provided, multiple submitters, no conflicts (2 of 4 stars). 13 submissions from 13 submitters: Benign (9). 4 of the submissions do not count toward it. Last evaluated 2026-02-04.

Conditions:
Inborn genetic diseases. Identifiers: MedGen C0950123, MeSH D030342.
Neuronal ceroid lipofuscinosis. Also called: Neuronal Ceroid Lipofuscinoses. Identifiers: Orphanet 216, Orphanet 79263, MedGen C0027877, MONDO:0016295. Disease mechanism: loss of function.
Central core myopathy (CMYO1A). Also called: CONGENITAL MYOPATHY 1A, AUTOSOMAL DOMINANT, WITH SUSCEPTIBILITY TO MALIGNANT HYPERTHERMIA; Central core disease; Myopathy, central fibrillar. Identifiers: Orphanet 597, MedGen C5830701, MONDO:0007294, OMIM 117000.
Neuronal ceroid lipofuscinosis 8 (CLN8). Also called: CLN8-Related Neuronal Ceroid-Lipofuscinosis. Identifiers: Orphanet 168491, Orphanet 228354, Orphanet 79264, MedGen C1838570, MONDO:0010830, OMIM 600143.

Allele frequency attached by ClinVar (database versions not stated): ESP Exome Variant Server 0.00085; 1000 Genomes Project 0.01118; 1000 Genomes Project 30x 0.01234; gnomAD 0.00899 and 0.00893; ExAC 0.01151; gnomAD exomes 0.00385 and 0.01739; TOPMed 0.00920.
gnomAD v4.1: 6,904 of 1,614,224 alleles (0.43%); highest among the groups gnomAD compares: Admixed American, 11%; 435 homozygotes.

Submissions (13):

Labcorp Genetics (formerly Invitae), Labcorp
Classification: Benign for Neuronal ceroid lipofuscinosis. Last evaluated: 2026-02-04. Review status: criteria provided, single submitter. Criteria: Invitae Variant Classification Sherloc (09022015). Collection method: clinical testing. Allele origin: germline.

Athena Diagnostics
Classification: Benign. Last evaluated: 2024-08-14. Review status: criteria provided, single submitter. Criteria: Athena Diagnostics Criteria. Collection method: clinical testing. Allele origin: unknown.

GeneDx
Classification: Benign. Last evaluated: 2018-12-11. Review status: criteria provided, single submitter. Criteria: GeneDx Variant Classification Process June 2021. Collection method: clinical testing. Allele origin: germline. Affected: yes.
Comment: This variant is associated with the following publications: (PMID: 27535533, 21990111)

Center for Pediatric Genomic Medicine, Children's Mercy Hospital and Clinics
Classification: Benign. Last evaluated: 2016-05-10. Review status: criteria provided, single submitter. Criteria: ACMG Guidelines, 2015. Collection method: clinical testing. Allele origin: germline.

Ambry Genetics
Classification: Benign for Inborn genetic diseases. Last evaluated: 2016-02-25. Review status: criteria provided, single submitter. Criteria: Ambry Variant Classification Scheme 2023. Collection method: clinical testing. Allele origin: germline.

Eurofins Ntd Llc (ga)
Classification: Benign. Last evaluated: 2014-06-19. Review status: criteria provided, single submitter. Criteria: EGL Classification Definitions 2015. Collection method: clinical testing. Allele origin: germline. Observed: 4 variant alleles, 4 heterozygotes.

Breakthrough Genomics
Classification: Benign. Review status: criteria provided, single submitter. Criteria: ACMG Guidelines, 2015. Collection method: not provided. Allele origin: germline. Inheritance: Autosomal recessive inheritance. Affected: yes.

Broad Center for Mendelian Genomics, Broad Institute of MIT and Harvard
Classification: Benign for Central core myopathy. Review status: criteria provided, single submitter. Criteria: ACMG Guidelines, 2015. Collection method: research. Allele origin: germline. Inheritance: Autosomal recessive inheritance. Affected: yes.
Comment: However, this variant is classified as benign for autosomal recessive neuronal ceroid lipofuscinosis because it has been identified in >5% of Latino chromosomes and 93 total homozygotes by ExAC.

PreventionGenetics, part of Exact Sciences
Classification: Benign. Review status: criteria provided, single submitter. Criteria: ACMG Guidelines, 2015. Collection method: clinical testing. Allele origin: germline.

Natera, Inc.
Classification: Benign for Neuronal ceroid lipofuscinosis 8. Last evaluated: 2020-09-16. Review status: no assertion criteria provided. Collection method: clinical testing. Allele origin: germline. Not counted in ClinVar's aggregate classification.

Counsyl
Classification: Benign for Neuronal ceroid lipofuscinosis 8. Last evaluated: 2017-12-28. Review status: no assertion criteria provided. Collection method: clinical testing. Allele origin: unknown. Not counted in ClinVar's aggregate classification.

Mayo Clinic Laboratories, Mayo Clinic
Classification: Uncertain significance. Last evaluated: 2015-12-15. Review status: no assertion criteria provided. Collection method: clinical testing. Allele origin: unknown. Not counted in ClinVar's aggregate classification.

Genetic Services Laboratory, University of Chicago
Classification: Likely benign for AllHighlyPenetrant. Review status: no assertion criteria provided. Collection method: clinical testing. Allele origin: germline. Inheritance: Autosomal recessive inheritance. Not counted in ClinVar's aggregate classification.
Comment: Likely benign based on allele frequency in 1000 Genomes Project or ESP global frequency and its presence in a patient with a rare or unrelated disease phenotype. NOT Sanger confirmed.

Literature cited by the submitters: PubMed 21990111 (cited by Athena Diagnostics).

NM_018941.4(CLN8):c.685C>G (p.Pro229Ala)

Gene: CLN8 (CLN8 transmembrane ER and ERGIC protein; plus strand). Cytogenetic location: 8p23.3.
Variant type: single nucleotide variant.
Coding change: c.685C>G on transcript NM_018941.4 (MANE Select); coding-DNA position 685, C replaced by G.
Protein change: p.Pro229Ala; replaces proline 229 with alanine.
Molecular consequence: missense variant.
Genome position (GRCh38, 1-based): chr8:1,780,391, C>G. VCF-style: chr8-1780391-C-G. GRCh37 (hg19) VCF-style: chr8-1728557-C-G.
Other names: p.P229A:CCT>GCT.
Identifiers: ClinVar variation 95924 (VCV000095924.32), dbSNP rs150047904, ClinGen allele CA288749.